The following is an entry in ClinVar:

NM_004329.3(BMPR1A):c.1355A>T (p.Glu452Val)

Gene: BMPR1A (bone morphogenetic protein receptor type 1A; plus strand). Cytogenetic location: 10q23.2.
Variant type: single nucleotide variant.
Coding change: c.1355A>T on transcript NM_004329.3 (MANE Select); coding-DNA position 1355, A replaced by T.
Protein change: p.Glu452Val; replaces glutamic acid 452 with valine.
Molecular consequence: missense variant.
Genome position (GRCh38, 1-based): chr10:86,923,388, A>T. VCF-style: chr10-86923388-A-T. GRCh37 (hg19) VCF-style: chr10-88683145-A-T.
Other names: c.1430A>T, p.Glu477Val (NM_001406559.1); c.1403A>T, p.Glu468Val (NM_001406560.1); c.1355A>T, p.Glu452Val (NM_001406561.1, NM_001406562.1, NM_001406563.1 and 19 more transcripts); c.1271A>T, p.Glu424Val (NM_001406587.1, NM_001406588.1, NM_001406584.1 and 2 more transcripts); c.1013A>T, p.Glu338Val (NM_001406589.1); c.1349A>T, p.Glu450Val (NM_001406583.1); short protein forms E468V, E338V, E424V, E452V, E450V, E477V.
Identifiers: ClinVar variation 1996656 (VCV001996656.6), dbSNP rs1843694708, ClinGen allele CA377462657.

ClinVar aggregate classification (germline): Uncertain significance. Review status: criteria provided, multiple submitters, no conflicts (2 of 4 stars). 2 submissions from 2 submitters: Uncertain significance (2). Last evaluated 2023-07-20.

Conditions:
Hereditary cancer-predisposing syndrome. Also called: Hereditary Cancer Syndrome; Tumor predisposition; Hereditary neoplastic syndrome; Neoplastic Syndromes, Hereditary. Identifiers: Orphanet 140162, MedGen C0027672, MeSH D009386, MONDO:0015356.
Juvenile polyposis syndrome (JPS). Identifiers: Orphanet 2929, MedGen C0345893, MONDO:0017380, OMIM 174900.

Submissions (2):

Ambry Genetics
Classification: Uncertain significance for Hereditary cancer-predisposing syndrome. Last evaluated: 2023-07-20. Review status: criteria provided, single submitter. Criteria: Ambry Variant Classification Scheme 2023. Collection method: clinical testing. Allele origin: germline.
Comment: The p.E452V variant (also known as c.1355A>T), located in coding exon 10 of the BMPR1A gene, results from an A to T substitution at nucleotide position 1355. The glutamic acid at codon 452 is replaced by valine, an amino acid with dissimilar properties. This amino acid position is not well conserved in available vertebrate species. In addition, the in silico prediction for this alteration is inconclusive. Since supporting evidence is limited at this time, the clinical significance of this alteration remains unclear.

Labcorp Genetics (formerly Invitae), Labcorp
Classification: Uncertain significance for Juvenile polyposis syndrome. Last evaluated: 2022-05-20. Review status: criteria provided, single submitter. Criteria: Invitae Variant Classification Sherloc (09022015). Collection method: clinical testing. Allele origin: germline.
Comment: In summary, the available evidence is currently insufficient to determine the role of this variant in disease. Therefore, it has been classified as a Variant of Uncertain Significance. Advanced modeling of protein sequence and biophysical properties (such as structural, functional, and spatial information, amino acid conservation, physicochemical variation, residue mobility, and thermodynamic stability) performed at Invitae indicates that this missense variant is expected to disrupt BMPR1A protein function. This variant has not been reported in the literature in individuals affected with BMPR1A-related conditions. This variant is not present in population databases (gnomAD no frequency). This sequence change replaces glutamic acid, which is acidic and polar, with valine, which is neutral and non-polar, at codon 452 of the BMPR1A protein (p.Glu452Val).